The following is an entry in ClinVar:

NM_020366.4(RPGRIP1):c.24dup (p.Ser9fs)

Gene: RPGRIP1 (RPGR interacting protein 1; plus strand). Cytogenetic location: 14q11.2.
Variant type: Duplication.
Coding change: c.24dup on transcript NM_020366.4 (MANE Select); coding-DNA position 24, one base duplicated (A; older notation c.24dupA).
Protein change: p.Ser9fs; shifts the reading frame from serine 9.
Molecular consequence: frameshift variant.
Genome position (GRCh38, 1-based): chr14:21,288,000, A duplicated. VCF-style (leftmost placement, unchanged base first): chr14-21287999-C-CA. GRCh37 (hg19) VCF-style: chr14-21756158-C-CA.
Other names: short protein forms S9fs.
Identifiers: ClinVar variation 2941042 (VCV002941042.3), dbSNP rs2502674313, ClinGen allele CA2740097704.

ClinVar aggregate classification (germline): Pathogenic (1 of 4 stars; one submission).

Conditions:
Cone-rod dystrophy 13 (CORD13). Identifiers: Orphanet 1872, MedGen C2750720, MONDO:0011987, OMIM 608194.
Leber congenital amaurosis 6 (LCA6). Identifiers: Orphanet 65, MedGen C1854260, MONDO:0013446, OMIM 613826.

Submission:

Labcorp Genetics (formerly Invitae), Labcorp
Classification: Pathogenic for Leber congenital amaurosis 6; Cone-rod dystrophy 13. Last evaluated: 2022-10-27. Review status: criteria provided, single submitter. Criteria: Invitae Variant Classification Sherloc (09022015). Collection method: clinical testing. Allele origin: germline.
Comment: This sequence change creates a premature translational stop signal (p.Ser9Ilefs*7) in the RPGRIP1 gene. It is expected to result in an absent or disrupted protein product. Loss-of-function variants in RPGRIP1 are known to be pathogenic (PMID: 11528500, 23105016). This variant is not present in population databases (gnomAD no frequency). This variant has not been reported in the literature in individuals affected with RPGRIP1-related conditions. For these reasons, this variant has been classified as Pathogenic.

Literature cited by the submitters: PubMed 11528500; PubMed 23105016.